The following is an entry in ClinVar:

ClinVar aggregate classification (germline): Uncertain significance (1 of 4 stars; one submission).

Conditions:
Familial cold autoinflammatory syndrome 3 (FCAS3). Also called: FAMILIAL ATYPICAL COLD URTICARIA; ANTIBODY DEFICIENCY AND IMMUNE DYSREGULATION, PLCG2-ASSOCIATED. Identifiers: Orphanet 300359, MedGen C3280914, MONDO:0013766, OMIM 614468.

gnomAD v4.1: 20 of 1,613,626 alleles (0.0012%); highest among the groups gnomAD compares: Admixed American, 0.0017%; no homozygotes.

Submission:

Labcorp Genetics (formerly Invitae), Labcorp
Classification: Uncertain significance for Familial cold autoinflammatory syndrome 3. Last evaluated: 2025-04-07. Review status: criteria provided, single submitter. Criteria: Invitae Variant Classification Sherloc (09022015). Collection method: clinical testing. Allele origin: germline.
Comment: This sequence change replaces glutamic acid, which is acidic and polar, with aspartic acid, which is acidic and polar, at codon 1191 of the PLCG2 protein (p.Glu1191Asp). This variant is present in population databases (rs201682723, gnomAD 0.003%). This variant has not been reported in the literature in individuals affected with PLCG2-related conditions. ClinVar contains an entry for this variant (Variation ID: 1366053). An algorithm developed to predict the effect of missense changes on protein structure and function (PolyPhen-2) suggests that this variant is likely to be tolerated. In summary, the available evidence is currently insufficient to determine the role of this variant in disease. Therefore, it has been classified as a Variant of Uncertain Significance.

NM_002661.5(PLCG2):c.3573G>C (p.Glu1191Asp)

Gene: PLCG2 (phospholipase C gamma 2; plus strand). Cytogenetic location: 16q23.3.
Variant type: single nucleotide variant.
Coding change: c.3573G>C on transcript NM_002661.5 (MANE Select); coding-DNA position 3573, G replaced by C.
Protein change: p.Glu1191Asp; replaces glutamic acid 1191 with aspartic acid.
Molecular consequence: missense variant.
Genome position (GRCh38, 1-based): chr16:81,956,697, G>C. VCF-style: chr16-81956697-G-C. GRCh37 (hg19) VCF-style: chr16-81990302-G-C.
Other names: short protein forms E1191D.
Identifiers: ClinVar variation 1366053 (VCV001366053.8), dbSNP rs201682723, ClinGen allele CA8194781.